The following is an entry in ClinVar:

ClinVar aggregate classification (germline): Likely benign (0 of 4 stars; one submission).

Conditions:
BBS7-related disorder. Also called: BBS7-related condition.

Submission:

PreventionGenetics, part of Exact Sciences
Classification: Likely benign for BBS7-related condition. Last evaluated: 2021-07-12. Review status: no assertion criteria provided. Collection method: clinical testing. Allele origin: germline.
Comment: This variant is classified as likely benign based on ACMG/AMP sequence variant interpretation guidelines (Richards et al. 2015 PMID: 25741868, with internal and published modifications).

NM_176824.3(BBS7):c.2015-5T>C

Gene: BBS7 (Bardet-Biedl syndrome 7; minus strand). Cytogenetic location: 4q27.
Variant type: single nucleotide variant.
Coding change: c.2015-5T>C on transcript NM_176824.3 (MANE Select); 5 bases into the intron before coding-DNA position 2015, T replaced by C.
Molecular consequence: intron variant.
Genome position (GRCh38, 1-based): chr4:121,825,998, A>G on the plus strand (T>C on the coding strand, the complement: BBS7 is on the minus strand). VCF-style: chr4-121825998-A-G. GRCh37 (hg19) VCF-style: chr4-122747153-A-G.
Identifiers: ClinVar variation 3357433 (VCV003357433.1).